The following is an entry in ClinVar:

NM_000528.4(MAN2B1):c.450C>T (p.Phe150=)

Gene: MAN2B1 (mannosidase alpha class 2B member 1; minus strand). Cytogenetic location: 19p13.13.
Variant type: single nucleotide variant.
Coding change: c.450C>T on transcript NM_000528.4 (MANE Select); coding-DNA position 450, C replaced by T.
Protein change: p.Phe150=; no amino-acid change (phenylalanine 150 retained).
Molecular consequence: synonymous variant.
Genome position (GRCh38, 1-based): chr19:12,664,972, G>A on the plus strand (C>T on the coding strand, the complement: MAN2B1 is on the minus strand). VCF-style: chr19-12664972-G-A. GRCh37 (hg19) VCF-style: chr19-12775786-G-A.
Other names: c.450C>T, p.Phe150= (NM_001173498.2).
Identifiers: ClinVar variation 1092726 (VCV001092726.13), dbSNP rs776494571, ClinGen allele CA9226795.

ClinVar aggregate classification (germline): Likely benign. Review status: criteria provided, multiple submitters, no conflicts (2 of 4 stars). 2 submissions from 2 submitters: Likely benign (2). Last evaluated 2026-03-01.

Conditions:
Deficiency of alpha-mannosidase (MANSA). Also called: Alpha-Mannosidosis; Mannosidosis, alpha-, types I and II; LYSOSOMAL ALPHA-D-MANNOSIDASE DEFICIENCY. Identifiers: Orphanet 61, MedGen C0024748, MONDO:0009561, OMIM 248500.

Allele frequency attached by ClinVar (database versions not stated): gnomAD exomes 0.00001 and 0.00002; TOPMed 0.00001; ExAC 0.00001; gnomAD 0.00001.
gnomAD v4.1: 23 of 1,613,544 alleles (0.0014%); highest among the groups gnomAD compares: East Asian, 0.0022%; no homozygotes.

Submissions (2):

CeGaT Center for Human Genetics Tuebingen
Classification: Likely benign. Last evaluated: 2026-03-01. Review status: criteria provided, single submitter. Criteria: CeGaT Center For Human Genetics Tuebingen Variant Classification Criteria Version 2. Collection method: clinical testing. Allele origin: germline. Affected: yes. Observed: 1 variant allele.
Comment: MAN2B1: BP4, BP7

Labcorp Genetics (formerly Invitae), Labcorp
Classification: Likely benign for Deficiency of alpha-mannosidase. Last evaluated: 2024-05-28. Review status: criteria provided, single submitter. Criteria: Invitae Variant Classification Sherloc (09022015). Collection method: clinical testing. Allele origin: germline.